The following is an entry in ClinVar:

ClinVar aggregate classification (germline): Uncertain significance (1 of 4 stars; one submission).

Conditions:
Cardiovascular phenotype. Identifiers: MedGen CN230736.
Hereditary cancer-predisposing syndrome. Also called: Neoplastic Syndromes, Hereditary; Tumor predisposition; Hereditary neoplastic syndrome; Hereditary Cancer Syndrome. Identifiers: Orphanet 140162, MedGen C0027672, MeSH D009386, MONDO:0015356.

Submission:

Ambry Genetics
Classification: Uncertain significance for Cardiovascular phenotype; Hereditary cancer-predisposing syndrome. Last evaluated: 2026-06-23. Review status: criteria provided, single submitter. Criteria: Ambry Variant Classification Scheme 2023. Collection method: clinical testing. Allele origin: germline.
Comment: The p.A1973E variant (also known as c.5918C>A), located in coding exon 39 of the NF1 gene, results from a C to A substitution at nucleotide position 5918. The alanine at codon 1973 is replaced by glutamic acid, an amino acid with dissimilar properties. This amino acid position is conserved. In addition, this alteration is predicted to be deleterious by in silico analysis. Based on the available evidence, the clinical significance of this variant remains unclear.

NM_001042492.3(NF1):c.5981C>A (p.Ala1994Glu)

Gene: NF1 (neurofibromin 1; plus strand). Cytogenetic location: 17q11.2.
Variant type: single nucleotide variant.
Coding change: c.5981C>A on transcript NM_001042492.3 (MANE Select); coding-DNA position 5981, C replaced by A.
Protein change: p.Ala1994Glu; replaces alanine 1994 with glutamic acid.
Molecular consequence: missense variant.
Genome position (GRCh38, 1-based): chr17:31,335,006, C>A. VCF-style: chr17-31335006-C-A. GRCh37 (hg19) VCF-style: chr17-29662024-C-A.
Other names: c.5918C>A, p.Ala1973Glu (NM_000267.4); short protein forms A1973E, A1994E.
Identifiers: ClinVar variation 5025539 (VCV005025539.1).